The following is an entry in ClinVar:

NM_001164508.2(NEB):c.1622del (p.Pro541fs)

Gene: NEB (nebulin; minus strand). Cytogenetic location: 2q23.3.
Variant type: Deletion.
Coding change: c.1622del on transcript NM_001164508.2 (MANE Select); coding-DNA position 1622, one base deleted (C; older notation c.1622delC).
Protein change: p.Pro541fs; shifts the reading frame from proline 541.
Molecular consequence: frameshift variant.
Genome position (GRCh38, 1-based): chr2:151,695,630, G deleted on the plus strand (C on the coding strand, the reverse complement: NEB is on the minus strand); the first of 6 consecutive G bases (chr2:151,695,630-151,695,635); deleting any one gives the same sequence. VCF-style (leftmost placement, unchanged base first): chr2-151695629-AG-A. GRCh37 (hg19) VCF-style: chr2-152552143-AG-A.
Other names: c.1622del, p.Pro541fs (NM_001164507.2, NM_001271208.2, NM_004543.5); short protein forms P541fs.
Identifiers: ClinVar variation 5012782 (VCV005012782.1).
Genomic context (GRCh38, chr2:151,695,629, plus strand): 5'-GGAACTTACATCACTCAAGTTATAGGCATTGACTTTGTGCTGGATAAAAGCAGGAGTATC[AG>A]GGGGGATATGGCACTTGAACTTTTCACTTTCATGTTTTGCTTTGTAATTTAACTATGACA-3'

ClinVar aggregate classification (germline): Pathogenic (1 of 4 stars; one submission).

Conditions:
Nemaline myopathy 2 (NEM2). Also called: Nemaline myopathy 2, autosomal recessive. Identifiers: MedGen C1850569, MONDO:0009725, OMIM 256030.

Submission:

Myriad Genetics, Inc.
Classification: Pathogenic for Nemaline myopathy 2. Last evaluated: 2024-02-27. Review status: criteria provided, single submitter. Criteria: Myriad Autosomal Dominant, Autosomal Recessive and X-Linked Classification Criteria (2023). Collection method: clinical testing. Allele origin: unknown.
Comment: NM_001271208.1(NEB):c.1622delC(P541Lfs*16) is expected to be pathogenic in the context of NEB-related nemaline myopathy. This variant is predicted to lead to an abnormal or absent protein product due to the creation of a premature termination codon in NEB, a gene where loss-of-function variants are known to be pathogenic. Please note: this variant was assessed in the context of healthy population screening.